The following is an entry in ClinVar:

NM_003000.3(SDHB):c.201-1G>C

Gene: SDHB (succinate dehydrogenase complex iron sulfur subunit B; minus strand). Cytogenetic location: 1p36.13.
Variant type: single nucleotide variant.
Coding change: c.201-1G>C on transcript NM_003000.3 (MANE Select); the canonical splice acceptor site of the intron before coding-DNA position 201, G replaced by C.
Molecular consequence: splice acceptor variant.
Genome position (GRCh38, 1-based): chr1:17,033,146, C>G on the plus strand (G>C on the coding strand, the complement: SDHB is on the minus strand). VCF-style: chr1-17033146-C-G. GRCh37 (hg19) VCF-style: chr1-17359641-C-G.
Other names: c.201-1G>C (NM_003000.2, NM_001407361.1).
Identifiers: ClinVar variation 2948917 (VCV002948917.4), dbSNP rs2101529138, ClinGen allele CA338276650.
Genomic context (GRCh38, chr1:17,033,146, plus strand): 5'-AAAGTAGAGTCAACTTCATTCTTAATCTTGATTAAAGCATCCAATACCATGGGGCCACAT[C>G]TAACAAAGAAAAATATCCAGTGGTATTTATGTAACGTTCAACCTCCCTACACTTTATCAT-3'

ClinVar aggregate classification (germline): Pathogenic/Likely pathogenic. Review status: criteria provided, multiple submitters, no conflicts (2 of 4 stars). 2 submissions from 2 submitters: Pathogenic (1); Likely pathogenic (1). Last evaluated 2025-01-10.

Conditions:
Hereditary cancer-predisposing syndrome. Also called: Tumor predisposition; Hereditary Cancer Syndrome; Hereditary neoplastic syndrome; Neoplastic Syndromes, Hereditary. Identifiers: Orphanet 140162, MedGen C0027672, MeSH D009386, MONDO:0015356.
Pheochromocytoma. Also called: MAX-Related Hereditary Paraganglioma-Pheochromocytoma Syndrome. Identifiers: Orphanet 29072, MedGen C0031511, MONDO:0008233, OMIM 171300, HP:0002666.
Pheochromocytoma/paraganglioma syndrome 4. Also called: CAROTID BODY TUMORS AND MULTIPLE EXTRAADRENAL PHEOCHROMOCYTOMAS; PARAGANGLIOMA, FAMILIAL MALIGNANT; PARAGANGLIOMAS, HEREDITARY EXTRAADRENAL; PHEOCHROMOCYTOMA, FAMILIAL EXTRAADRENAL; Paragangliomas 4; SDHB-Related Hereditary Paraganglioma-Pheochromocytoma Syndrome (Paragangliomas 4). Identifiers: Orphanet 29072, MedGen C1861848, MONDO:0007273, OMIM 115310.
Gastrointestinal stromal tumor. Also called: Gastrointestinal stroma tumor; Gastrointestinal stromal tumor, somatic. Identifiers: Orphanet 44890, MedGen C0238198, MeSH D046152, MONDO:0011719, OMIM 606764, HP:0100723.

Submissions (2):

Ambry Genetics
Classification: Likely pathogenic for Hereditary cancer-predisposing syndrome. Last evaluated: 2025-01-10. Review status: criteria provided, single submitter. Criteria: Ambry Variant Classification Scheme 2023. Collection method: clinical testing. Allele origin: germline.
Comment: The c.201-1G>C intronic variant results from a G to C substitution one nucleotide upstream from coding exon 3 of the SDHB gene. This nucleotide position is highly conserved in available vertebrate species. In silico splice site analysis predicts that this alteration will weaken the native splice acceptor site; however, direct evidence is insufficient at this time (Ambry internal data). This variant is considered to be rare based on population cohorts in the Genome Aggregation Database (gnomAD). Alterations that disrupt the canonical splice site are expected to cause aberrant splicing, resulting in an abnormal protein or a transcript that is subject to nonsense-mediated mRNA decay. As such, this alteration is classified as likely pathogenic.

Labcorp Genetics (formerly Invitae), Labcorp
Classification: Pathogenic for Gastrointestinal stromal tumor; Pheochromocytoma/paraganglioma syndrome 4; Pheochromocytoma. Last evaluated: 2023-06-16. Review status: criteria provided, single submitter. Criteria: Invitae Variant Classification Sherloc (09022015). Collection method: clinical testing. Allele origin: germline.
Comment: For these reasons, this variant has been classified as Pathogenic. Algorithms developed to predict the effect of sequence changes on RNA splicing suggest that this variant may disrupt the consensus splice site. Disruption of this splice site has been observed in individuals with SDH-related conditions (PMID: 19454582, 28960644, 29925701). This variant is not present in population databases (gnomAD no frequency). This sequence change affects an acceptor splice site in intron 2 of the SDHB gene. It is expected to disrupt RNA splicing. Variants that disrupt the donor or acceptor splice site typically lead to a loss of protein function (PMID: 16199547), and loss-of-function variants in SDHB are known to be pathogenic (PMID: 19454582, 19802898).

Literature cited by the submitters: PubMed 19454582 (cited by Labcorp Genetics (formerly Invitae), Labcorp); PubMed 28960644 (cited by Labcorp Genetics (formerly Invitae), Labcorp); PubMed 29925701 (cited by Labcorp Genetics (formerly Invitae), Labcorp); PubMed 16199547 (cited by Labcorp Genetics (formerly Invitae), Labcorp); PubMed 19802898 (cited by Labcorp Genetics (formerly Invitae), Labcorp).